The following is an entry in ClinVar:

NM_002063.4(GLRA2):c.717A>G (p.Gly239=)

Gene: GLRA2 (glycine receptor alpha 2; plus strand). Cytogenetic location: Xp22.2.
Variant type: single nucleotide variant.
Coding change: c.717A>G on transcript NM_002063.4 (MANE Select); coding-DNA position 717, A replaced by G.
Protein change: p.Gly239=; no amino-acid change (glycine 239 retained).
Molecular consequence: synonymous variant.
Genome position (GRCh38, 1-based): chrX:14,608,992, A>G. VCF-style: chrX-14608992-A-G. GRCh37 (hg19) VCF-style: chrX-14627114-A-G.
Other names: c.717A>G, p.Gly239= (NM_001118885.2, NM_001118886.2); c.450A>G, p.Gly150= (NM_001171942.2).
Identifiers: ClinVar variation 3350603 (VCV003350603.1).

ClinVar aggregate classification (germline): Likely benign (0 of 4 stars; one submission).

Conditions:
GLRA2-related disorder. Also called: GLRA2-related condition.

Submission:

PreventionGenetics, part of Exact Sciences
Classification: Likely benign for GLRA2-related condition. Last evaluated: 2019-07-23. Review status: no assertion criteria provided. Collection method: clinical testing. Allele origin: germline.
Comment: This variant is classified as likely benign based on ACMG/AMP sequence variant interpretation guidelines (Richards et al. 2015 PMID: 25741868, with internal and published modifications).